The following is an entry in ClinVar:

ClinVar aggregate classification (germline): Likely benign. Review status: criteria provided, multiple submitters, no conflicts (2 of 4 stars). 3 submissions from 3 submitters: Likely benign (2). 1 of the submissions does not count toward it. Last evaluated 2026-01-27.

Conditions:
Hereditary cancer-predisposing syndrome. Also called: Hereditary neoplastic syndrome; Neoplastic Syndromes, Hereditary; Hereditary Cancer Syndrome; Tumor predisposition. Identifiers: Orphanet 140162, MedGen C0027672, MeSH D009386, MONDO:0015356.
Gastrointestinal stromal tumor. Also called: Gastrointestinal stromal tumor, somatic; Gastrointestinal stroma tumor. Identifiers: Orphanet 44890, MedGen C0238198, MeSH D046152, MONDO:0011719, OMIM 606764, HP:0100723.
KIT-related disorder. Also called: KIT-related condition.

Allele frequency attached by ClinVar (database versions not stated): ExAC 0.00001; gnomAD 0.00001; gnomAD exomes 0.00001 and 0.00002; TOPMed 0.00001; ESP Exome Variant Server 0.00008.
gnomAD v4.1: 9 of 1,613,036 alleles (0.00056%); highest among the groups gnomAD compares: African/African-American, 0.0053%; no homozygotes.

Submissions (3):

Labcorp Genetics (formerly Invitae), Labcorp
Classification: Likely benign for Gastrointestinal stromal tumor. Last evaluated: 2026-01-27. Review status: criteria provided, single submitter. Criteria: Invitae Variant Classification Sherloc (09022015). Collection method: clinical testing. Allele origin: germline.

Ambry Genetics
Classification: Likely benign for Hereditary cancer-predisposing syndrome. Last evaluated: 2022-04-30. Review status: criteria provided, single submitter. Criteria: Ambry Variant Classification Scheme 2023. Collection method: clinical testing. Allele origin: germline.

PreventionGenetics, part of Exact Sciences
Classification: Likely benign for KIT-related condition. Last evaluated: 2023-03-19. Review status: no assertion criteria provided. Collection method: clinical testing. Allele origin: germline. Not counted in ClinVar's aggregate classification.
Comment: This variant is classified as likely benign based on ACMG/AMP sequence variant interpretation guidelines (Richards et al. 2015 PMID: 25741868, with internal and published modifications).

NM_000222.3(KIT):c.1800C>T (p.Phe600=)

Gene: KIT (KIT proto-oncogene, receptor tyrosine kinase; plus strand). Cytogenetic location: 4q12.
Variant type: single nucleotide variant.
Coding change: c.1800C>T on transcript NM_000222.3 (MANE Select); coding-DNA position 1800, C replaced by T.
Protein change: p.Phe600=; no amino-acid change (phenylalanine 600 retained).
Molecular consequence: synonymous variant.
Genome position (GRCh38, 1-based): chr4:54,727,848, C>T. VCF-style: chr4-54727848-C-T. GRCh37 (hg19) VCF-style: chr4-55594014-C-T.
Other names: c.1788C>T, p.Phe596= (NM_001093772.2, NM_001385286.1); c.1803C>T, p.Phe601= (NM_001385284.1, NM_001385290.1); c.1800C>T, p.Phe600= (NM_001385285.1); c.1791C>T, p.Phe597= (NM_001385288.1, NM_001385292.1).
Identifiers: ClinVar variation 528648 (VCV000528648.16), dbSNP rs138380197, ClinGen allele CA2923582.